The following is an entry in ClinVar:

ClinVar aggregate classification (germline): Likely pathogenic (1 of 4 stars; one submission).

Conditions:
Joubert syndrome. Also called: CEREBELLOPARENCHYMAL DISORDER IV; JOUBERT-BOLTSHAUSER SYNDROME; Familial aplasia of the vermis. Identifiers: Orphanet 475, MedGen C5979921, MONDO:0018772.

Submission:

Labcorp Genetics (formerly Invitae), Labcorp
Classification: Likely pathogenic for Joubert syndrome. Last evaluated: 2022-10-05. Review status: criteria provided, single submitter. Criteria: Invitae Variant Classification Sherloc (09022015). Collection method: clinical testing. Allele origin: germline.
Comment: This sequence change affects an acceptor splice site in intron 17 of the AHI1 gene. It is expected to disrupt RNA splicing. Variants that disrupt the donor or acceptor splice site typically lead to a loss of protein function (PMID: 16199547), and loss-of-function variants in AHI1 are known to be pathogenic (PMID: 15322546, 16453322, 28442542, 29186038). In summary, the currently available evidence indicates that the variant is pathogenic, but additional data are needed to prove that conclusively. Therefore, this variant has been classified as Likely Pathogenic. Algorithms developed to predict the effect of sequence changes on RNA splicing suggest that this variant may disrupt the consensus splice site. This variant has not been reported in the literature in individuals affected with AHI1-related conditions. This variant is not present in population databases (gnomAD no frequency).

Literature cited by the submitters: PubMed 16199547; PubMed 15322546; PubMed 16453322; PubMed 28442542; PubMed 29186038.

NM_001134831.2(AHI1):c.2493-1G>T

Gene: AHI1 (Abelson helper integration site 1; minus strand). Cytogenetic location: 6q23.3.
Variant type: single nucleotide variant.
Coding change: c.2493-1G>T on transcript NM_001134831.2 (MANE Select); the canonical splice acceptor site of the intron before coding-DNA position 2493, G replaced by T.
Molecular consequence: splice acceptor variant.
Genome position (GRCh38, 1-based): chr6:135,428,760, C>A on the plus strand (G>T on the coding strand, the complement: AHI1 is on the minus strand). VCF-style: chr6-135428760-C-A. GRCh37 (hg19) VCF-style: chr6-135749898-C-A.
Other names: c.2493-1G>T (NM_001134830.2, NM_001350503.2, NM_017651.5 and 2 more transcripts).
Identifiers: ClinVar variation 2027199 (VCV002027199.4), dbSNP rs1178479782, ClinGen allele CA365742450.